The following is an entry in ClinVar:

NM_001365951.3(KIF1B):c.4474C>T (p.His1492Tyr)

Gene: KIF1B (kinesin family member 1B; plus strand). Cytogenetic location: 1p36.22.
Variant type: single nucleotide variant.
Coding change: c.4474C>T on transcript NM_001365951.3 (MANE Select); coding-DNA position 4474, C replaced by T.
Protein change: p.His1492Tyr; replaces histidine 1492 with tyrosine.
Molecular consequence: missense variant.
Genome position (GRCh38, 1-based): chr1:10,365,207, C>T. VCF-style: chr1-10365207-C-T. GRCh37 (hg19) VCF-style: chr1-10425265-C-T.
Other names: c.4474C>T, p.His1492Tyr (NM_001365952.1); c.4336C>T, p.His1446Tyr (NM_015074.3); short protein forms H1446Y, H1492Y.
Identifiers: ClinVar variation 4543617 (VCV004543617.1).

ClinVar aggregate classification (germline): Uncertain significance (1 of 4 stars; one submission).

Submission:

Ambry Genetics
Classification: Uncertain significance. Last evaluated: 2025-09-18. Review status: criteria provided, single submitter. Criteria: Ambry Variant Classification Scheme 2023. Collection method: clinical testing. Allele origin: germline.
Comment: The p.H1446Y variant (also known as c.4336C>T), located in coding exon 39 of the KIF1B gene, results from a C to T substitution at nucleotide position 4336. The histidine at codon 1446 is replaced by tyrosine, an amino acid with similar properties. This amino acid position is conserved. In addition, this alteration is predicted to be deleterious by in silico analysis. Based on the available evidence, the clinical significance of this variant remains unclear.